The following is an entry in ClinVar:

ClinVar aggregate classification (germline): Uncertain significance (1 of 4 stars; one submission).

Conditions:
Cardiovascular phenotype. Identifiers: MedGen CN230736.
Hereditary cancer-predisposing syndrome. Also called: Hereditary neoplastic syndrome; Neoplastic Syndromes, Hereditary; Tumor predisposition; Hereditary Cancer Syndrome. Identifiers: Orphanet 140162, MedGen C0027672, MeSH D009386, MONDO:0015356.

Submission:

Ambry Genetics
Classification: Uncertain significance for Cardiovascular phenotype; Hereditary cancer-predisposing syndrome. Last evaluated: 2025-08-25. Review status: criteria provided, single submitter. Criteria: Ambry Variant Classification Scheme 2023. Collection method: clinical testing. Allele origin: germline.
Comment: The p.R815W variant (also known as c.2443A>T), located in coding exon 21 of the NF1 gene, results from an A to T substitution at nucleotide position 2443. The arginine at codon 815 is replaced by tryptophan, an amino acid with dissimilar properties. This amino acid position is conserved. In addition, the in silico prediction for this alteration is inconclusive. Based on the available evidence, the clinical significance of this variant remains unclear.

NM_001042492.3(NF1):c.2443A>T (p.Arg815Trp)

Gene: NF1 (neurofibromin 1; plus strand). Cytogenetic location: 17q11.2.
Variant type: single nucleotide variant.
Coding change: c.2443A>T on transcript NM_001042492.3 (MANE Select); coding-DNA position 2443, A replaced by T.
Protein change: p.Arg815Trp; replaces arginine 815 with tryptophan.
Molecular consequence: missense variant.
Genome position (GRCh38, 1-based): chr17:31,229,058, A>T. VCF-style: chr17-31229058-A-T. GRCh37 (hg19) VCF-style: chr17-29556076-A-T.
Other names: c.2443A>T, p.Arg815Trp (NM_000267.4); short protein forms R815W.
Identifiers: ClinVar variation 4119166 (VCV004119166.1).